The following is an entry in ClinVar:

NM_001356.5(DDX3X):c.103+2dup

Gene: DDX3X (DEAD-box helicase 3 X-linked; plus strand). Cytogenetic location: Xp11.4.
Variant type: Duplication.
Coding change: c.103+2dup on transcript NM_001356.5 (MANE Select); the canonical splice donor site of the intron after coding-DNA position 103, one base duplicated (T; older notation c.103+2dupT).
Molecular consequence: splice donor variant.
Genome position (GRCh38, 1-based): chrX:41,337,467, T duplicated. VCF-style (leftmost placement, unchanged base first): chrX-41337466-G-GT. GRCh37 (hg19) VCF-style: chrX-41196719-G-GT.
Other names: c.103+2dup (NM_001193416.3, NM_001193417.3); c.-1801+2dup (NM_001363819.1).
Identifiers: ClinVar variation 3252725 (VCV003252725.2), dbSNP rs2063787844.
Genomic context (GRCh38, chrX:41,337,466, plus strand): 5'-AGTTTGCTGGCCTAGACCTGAACTCTTCAGATAATCAGAGTGGAGGAAGTACAGCCAGCA[G>GT]TAAGTACAACATCTTGTGGGTTTATTGAATATTAGAGCTTAACATCTTAAGATTTCATTG-3'

ClinVar aggregate classification (germline): Pathogenic (1 of 4 stars; one submission).

Submission:

GeneDx
Classification: Pathogenic. Last evaluated: 2025-03-27. Review status: criteria provided, single submitter. Criteria: GeneDx Variant Classification Process June 2021. Collection method: clinical testing. Allele origin: germline.
Comment: Intronic variant directly or indirectly altering the +5 splice site in a gene for which loss of function is a known mechanism of disease, and splice predictors support a deleterious effect; Not observed at significant frequency in large population cohorts (gnomAD); Has not been previously published as pathogenic or benign to our knowledge